The following is an entry in ClinVar:

ClinVar aggregate classification (germline): Conflicting classifications of pathogenicity. Review status: criteria provided, conflicting classifications (1 of 4 stars). 5 submissions from 5 submitters: Uncertain significance (4); Likely benign (1). Last evaluated 2025-04-09.

Conditions:
Hereditary cancer-predisposing syndrome. Also called: Tumor predisposition; Neoplastic Syndromes, Hereditary; Hereditary neoplastic syndrome; Hereditary Cancer Syndrome. Identifiers: Orphanet 140162, MedGen C0027672, MeSH D009386, MONDO:0015356.
Hereditary nonpolyposis colorectal neoplasms. Identifiers: MedGen C0009405, MeSH D003123.

Allele frequency attached by ClinVar (database versions not stated): gnomAD exomes below 0.00001.
gnomAD v4.1: 1 of 1,614,180 alleles (0.000062%); highest among the groups gnomAD compares: Non-Finnish European, 0.000085%; no homozygotes.

Submissions (5):

Quest Diagnostics Nichols Institute San Juan Capistrano
Classification: Uncertain significance. Last evaluated: 2025-04-09. Review status: criteria provided, single submitter. Criteria: Quest Diagnostics criteria. Collection method: clinical testing. Allele origin: unknown.
Comment: The PMS2 c.1359G>T (p.Met453Ile) variant has not been reported in individuals with PMS2-related conditions in the published literature. It also has not been reported in large, multi-ethnic general populations (Genome Aggregation Database). Analysis of this variant using bioinformatics tools for the prediction of the effect of amino acid changes on protein structure and function yielded predictions that this variant is benign. Based on the available information, we are unable to determine the clinical significance of this variant.

Labcorp Genetics (formerly Invitae), Labcorp
Classification: Uncertain significance for Hereditary nonpolyposis colorectal neoplasms. Last evaluated: 2025-03-13. Review status: criteria provided, single submitter. Criteria: Invitae Variant Classification Sherloc (09022015). Collection method: clinical testing. Allele origin: germline.
Comment: This sequence change replaces methionine, which is neutral and non-polar, with isoleucine, which is neutral and non-polar, at codon 453 of the PMS2 protein (p.Met453Ile). This variant is not present in population databases (gnomAD no frequency). This variant has not been reported in the literature in individuals affected with PMS2-related conditions. ClinVar contains an entry for this variant (Variation ID: 630858). Invitae Evidence Modeling incorporating data from in vitro experimental studies (internal data) indicates that this missense variant is not expected to disrupt PMS2 function with a negative predictive value of 95%. In summary, the available evidence is currently insufficient to determine the role of this variant in disease. Therefore, it has been classified as a Variant of Uncertain Significance.

Ambry Genetics
Classification: Likely benign for Hereditary cancer-predisposing syndrome. Last evaluated: 2024-06-17. Review status: criteria provided, single submitter. Criteria: Ambry Variant Classification Scheme 2023. Collection method: clinical testing. Allele origin: germline.

Color Diagnostics, LLC DBA Color Health
Classification: Uncertain significance for Hereditary cancer-predisposing syndrome. Last evaluated: 2020-07-28. Review status: criteria provided, single submitter. Criteria: ACMG Guidelines, 2015. Collection method: clinical testing. Allele origin: germline.
Comment: This missense variant replaces methionine with isoleucine at codon 453 of the PMS2 protein. Computational prediction suggests that this variant may not impact protein structure and function (internally defined REVEL score threshold <= 0.5, PMID: 27666373). To our knowledge, functional studies have not been reported for this variant. This variant has not been reported in individuals affected with hereditary cancer in the literature. This variant has not been identified in the general population by the Genome Aggregation Database (gnomAD). The available evidence is insufficient to determine the role of this variant in disease conclusively. Therefore, this variant is classified as a Variant of Uncertain Significance.

GeneDx
Classification: Uncertain significance. Last evaluated: 2019-10-29. Review status: criteria provided, single submitter. Criteria: GeneDx Variant Classification Process June 2021. Collection method: clinical testing. Allele origin: germline. Affected: yes.
Comment: Not observed in large population cohorts (Lek 2016); In silico analysis, which includes protein predictors and evolutionary conservation, supports that this variant does not alter protein structure/function; Has not been previously published as pathogenic or benign to our knowledge

NM_000535.7(PMS2):c.1359G>T (p.Met453Ile)

Gene: PMS2 (PMS1 homolog 2, mismatch repair system component; minus strand). Cytogenetic location: 7p22.1.
Variant type: single nucleotide variant.
Coding change: c.1359G>T on transcript NM_000535.7 (MANE Select); coding-DNA position 1359, G replaced by T.
Protein change: p.Met453Ile; replaces methionine 453 with isoleucine.
Molecular consequence: missense variant. On other transcripts: non-coding transcript variant (1).
Genome position (GRCh38, 1-based): chr7:5,987,406, C>A on the plus strand (G>T on the coding strand, the complement: PMS2 is on the minus strand). VCF-style: chr7-5987406-C-A. GRCh37 (hg19) VCF-style: chr7-6027037-C-A.
Other names: c.954G>T, p.Met318Ile (NM_001322003.2, NM_001322004.2, NM_001322005.2 and 1 more transcripts); c.1203G>T, p.Met401Ile (NM_001322006.2); c.1041G>T, p.Met347Ile (NM_001322007.2, NM_001322008.2); c.798G>T, p.Met266Ile (NM_001322010.2); c.426G>T, p.Met142Ile (NM_001322011.2, NM_001322012.2); c.786G>T, p.Met262Ile (NM_001322013.2); c.1359G>T, p.Met453Ile (NM_001322014.2); c.1050G>T, p.Met350Ile (NM_001322015.2); short protein forms M453I, M266I, M347I, M262I, M401I, M318I, M350I, M142I.
Identifiers: ClinVar variation 630858 (VCV000630858.18), dbSNP rs886062401, ClinGen allele CA366742255.